The following is an entry in ClinVar:

NM_024426.6(WT1):c.*835A>G

Gene: WT1 (WT1 transcription factor; minus strand). Cytogenetic location: 11p13.
Variant type: single nucleotide variant.
Coding change: c.*835A>G on transcript NM_024426.6 (MANE Select); 835 bases downstream of the stop codon, A replaced by G.
Molecular consequence: 3 prime UTR variant. On other transcripts: non-coding transcript variant (1).
Genome position (GRCh38, 1-based): chr11:32,388,223, T>C on the plus strand (A>G on the coding strand, the complement: WT1 is on the minus strand). VCF-style: chr11-32388223-T-C. GRCh37 (hg19) VCF-style: chr11-32409769-T-C.
Other names: c.*835A>G (NM_000378.6, NM_001198551.2, NM_001198552.2 and 11 more transcripts).
Identifiers: ClinVar variation 304389 (VCV000304389.7), dbSNP rs5030322, ClinGen allele CA10630755.
Genomic context (GRCh38, chr11:32,388,223, plus strand): 5'-TATTTTCTTTTAAAGTCACTTTCATTTTTACAACTTGAAGCCATATACCAGCATGGTTTT[T>C]ATACACTAAGGACACTCCCAGTGATGAAAATGAATTCCCCTCCATTTGTGCAAGGAGGTA-3'

ClinVar aggregate classification (germline): Benign/Likely benign. Review status: criteria provided, multiple submitters, no conflicts (2 of 4 stars). 4 submissions from 2 submitters: Benign (2); Likely benign (2). Last evaluated 2018-01-13.

Conditions:
Nephrotic syndrome, type 4 (NPHS4). Also called: Familial mesangial sclerosis; Nephrotic syndrome, early onset with diffuse mesangial sclerosis. Identifiers: Orphanet 656, MedGen C3151568, MONDO:0009733, OMIM 256370.
Meacham syndrome. Also called: Meacham Winn Culler syndrome. Identifiers: Orphanet 3097, MedGen C1837026, MONDO:0012164, OMIM 608978.
Wilms tumor 1 (WT1). Also called: Wilms tumor, somatic. Identifiers: Orphanet 654, MedGen CN033288, MONDO:0008679, OMIM 194070.

Allele frequency attached by ClinVar (database versions not stated): 1000 Genomes Project 0.01058; TOPMed 0.02076; 1000 Genomes Project 30x 0.01015; gnomAD 0.02303 and 0.02219; gnomAD exomes 0.02583.
gnomAD v4.1: 5,485 of 233,784 alleles (2.3%); highest among the groups gnomAD compares: Non-Finnish European, 3.4%; 91 homozygotes.

Submissions (4):

Illumina Laboratory Services, Illumina
Classification: Likely benign for Nephrotic syndrome, type 4. Last evaluated: 2018-01-13. Review status: criteria provided, single submitter. Criteria: ICSL Variant Classification Criteria 13 December 2019. Collection method: clinical testing. Allele origin: germline.
Comment: This variant was observed in the ICSL laboratory as part of a predisposition screen in an ostensibly healthy population. It had not been previously curated by ICSL or reported in the Human Gene Mutation Database (HGMD: prior to June 1st, 2018), and was therefore a candidate for classification through an automated scoring system. Utilizing variant allele frequency, disease prevalence and penetrance estimates, and inheritance mode, an automated score was calculated to assess if this variant is too frequent to cause the disease. Based on the score and internal cut-off values, a variant classified as likely benign is not then subjected to further curation. The score for this variant resulted in a classification of likely benign for this disease.

Illumina Laboratory Services, Illumina
Classification: Benign for Wilms tumor 1. Last evaluated: 2018-01-13. Review status: criteria provided, single submitter. Criteria: ICSL Variant Classification Criteria 13 December 2019. Collection method: clinical testing. Allele origin: germline.
Comment: This variant was observed in the ICSL laboratory as part of a predisposition screen in an ostensibly healthy population. It had not been previously curated by ICSL or reported in the Human Gene Mutation Database (HGMD: prior to June 1st, 2018), and was therefore a candidate for classification through an automated scoring system. Utilizing variant allele frequency, disease prevalence and penetrance estimates, and inheritance mode, an automated score was calculated to assess if this variant is too frequent to cause the disease. Based on the score and internal cut-off values, a variant classified as benign is not then subjected to further curation. The score for this variant resulted in a classification of benign for this disease.

Illumina Laboratory Services, Illumina
Classification: Benign for Meacham syndrome. Last evaluated: 2018-01-13. Review status: criteria provided, single submitter. Criteria: ICSL Variant Classification Criteria 13 December 2019. Collection method: clinical testing. Allele origin: germline.
Comment: the same text as in the submission from Illumina Laboratory Services, Illumina above.

Breakthrough Genomics
Classification: Likely benign. Review status: criteria provided, single submitter. Criteria: ACMG Guidelines, 2015. Collection method: not provided. Allele origin: germline. Inheritance: Autosomal dominant inheritance. Affected: yes.